The following is an entry in ClinVar:

ClinVar aggregate classification (germline): Uncertain significance (1 of 4 stars; one submission).

Conditions:
Distal myopathy with posterior leg and anterior hand involvement. Also called: WILLIAMS DISTAL MYOPATHY. Identifiers: Orphanet 63273, MedGen C3279722, MONDO:0013550, OMIM 614065.
Myofibrillar myopathy 5. Also called: Filaminopathy (type); FILAMINOPATHY, AUTOSOMAL DOMINANT. Identifiers: Orphanet 171445, MedGen C1836050, MONDO:0012289, OMIM 609524.
Hypertrophic cardiomyopathy 26. Also called: Cardiomyopathy, familial hypertrophic, 26. Identifiers: Orphanet 75249, MedGen C4310749, MONDO:0014883, OMIM 617047.

Submission:

Labcorp Genetics (formerly Invitae), Labcorp
Classification: Uncertain significance for Distal myopathy with posterior leg and anterior hand involvement; Myofibrillar myopathy 5; Hypertrophic cardiomyopathy 26. Last evaluated: 2022-03-04. Review status: criteria provided, single submitter. Criteria: Invitae Variant Classification Sherloc (09022015). Collection method: clinical testing. Allele origin: germline.
Comment: In summary, the available evidence is currently insufficient to determine the role of this variant in disease. Therefore, it has been classified as a Variant of Uncertain Significance. This sequence change replaces valine, which is neutral and non-polar, with glutamic acid, which is acidic and polar, at codon 2423 of the FLNC protein (p.Val2423Glu). This variant is not present in population databases (gnomAD no frequency). This variant has not been reported in the literature in individuals affected with FLNC-related conditions. Algorithms developed to predict the effect of missense changes on protein structure and function are either unavailable or do not agree on the potential impact of this missense change (SIFT: "Deleterious"; PolyPhen-2: "Probably Damaging"; Align-GVGD: "Class C0").

NM_001458.5(FLNC):c.7268T>A (p.Val2423Glu)

Genes: FLNC-AS1 (FLNC antisense RNA 1; minus strand), FLNC (filamin C; plus strand). Cytogenetic location: 7q32.1.
Variant type: single nucleotide variant.
Coding change: c.7268T>A on transcript NM_001458.5 (MANE Select); coding-DNA position 7268, T replaced by A.
Protein change: p.Val2423Glu; replaces valine 2423 with glutamic acid.
Molecular consequence: missense variant.
Genome position (GRCh38, 1-based): chr7:128,856,534, T>A. VCF-style: chr7-128856534-T-A. GRCh37 (hg19) VCF-style: chr7-128496588-T-A.
Other names: c.7169T>A, p.Val2390Glu (NM_001127487.2); short protein forms V2390E, V2423E.
Identifiers: ClinVar variation 2101597 (VCV002101597.4), dbSNP rs2536669511, ClinGen allele CA369216420.